The following is an entry in ClinVar:

NM_032776.3(JMJD1C):c.3374C>T (p.Ala1125Val)

Gene: JMJD1C (jumonji domain containing 1C; minus strand). Cytogenetic location: 10q21.3.
Variant type: single nucleotide variant.
Coding change: c.3374C>T on transcript NM_032776.3 (MANE Select); coding-DNA position 3374, C replaced by T.
Protein change: p.Ala1125Val; replaces alanine 1125 with valine.
Molecular consequence: missense variant. On other transcripts: non-coding transcript variant (1).
Genome position (GRCh38, 1-based): chr10:63,208,295, G>A on the plus strand (C>T on the coding strand, the complement: JMJD1C is on the minus strand). VCF-style: chr10-63208295-G-A. GRCh37 (hg19) VCF-style: chr10-64968055-G-A.
Other names: c.2828C>T, p.Ala943Val (NM_001282948.2, NM_001318154.2); c.2510C>T, p.Ala837Val (NM_001318153.2); c.3260C>T, p.Ala1087Val (NM_001322252.2); c.2717C>T, p.Ala906Val (NM_001322254.2, NM_001322258.2); short protein forms A1087V, A1125V, A906V, A943V, A837V.
Identifiers: ClinVar variation 2918954 (VCV002918954.3), dbSNP rs1438510127, ClinGen allele CA377042006.

ClinVar aggregate classification (germline): Uncertain significance (1 of 4 stars; one submission).

Conditions:
Early Myoclonic Encephalopathy. Identifiers: MedGen C0270855.

Allele frequency attached by ClinVar (database versions not stated): gnomAD 0.00001; gnomAD exomes 0.00001.
gnomAD v4.1: 6 of 1,613,890 alleles (0.00037%); highest among the groups gnomAD compares: African/African-American, 0.0013%; no homozygotes.

Submission:

Labcorp Genetics (formerly Invitae), Labcorp
Classification: Uncertain significance for Early Myoclonic Encephalopathy. Last evaluated: 2023-02-27. Review status: criteria provided, single submitter. Criteria: Invitae Variant Classification Sherloc (09022015). Collection method: clinical testing. Allele origin: germline.
Comment: In summary, the available evidence is currently insufficient to determine the role of this variant in disease. Therefore, it has been classified as a Variant of Uncertain Significance. Advanced modeling of protein sequence and biophysical properties (such as structural, functional, and spatial information, amino acid conservation, physicochemical variation, residue mobility, and thermodynamic stability) performed at Invitae indicates that this missense variant is not expected to disrupt JMJD1C protein function. This variant has not been reported in the literature in individuals affected with JMJD1C-related conditions. This variant is present in population databases (no rsID available, gnomAD 0.002%). This sequence change replaces alanine, which is neutral and non-polar, with valine, which is neutral and non-polar, at codon 1125 of the JMJD1C protein (p.Ala1125Val).